The following is an entry in ClinVar:

ClinVar aggregate classification (germline): Uncertain significance (1 of 4 stars; one submission).

Conditions:
Common variable immunodeficiency (CVID). Also called: Common variable hypogamma-globulinemia; Common variable agammaglobulinemia. Identifiers: Orphanet 1572, MedGen C0009447, MONDO:0015517.

Submission:

Labcorp Genetics (formerly Invitae), Labcorp
Classification: Uncertain significance for Common variable immunodeficiency. Last evaluated: 2023-11-28. Review status: criteria provided, single submitter. Criteria: Invitae Variant Classification Sherloc (09022015). Collection method: clinical testing. Allele origin: germline.
Comment: This sequence change replaces arginine, which is basic and polar, with proline, which is neutral and non-polar, at codon 12 of the TNFSF12 protein (p.Arg12Pro). This variant is not present in population databases (gnomAD no frequency). This variant has not been reported in the literature in individuals affected with TNFSF12-related conditions. ClinVar contains an entry for this variant (Variation ID: 1495617). Experimental studies and prediction algorithms are not available or were not evaluated, and the functional significance of this variant is currently unknown. In summary, the available evidence is currently insufficient to determine the role of this variant in disease. Therefore, it has been classified as a Variant of Uncertain Significance.

NM_003809.3(TNFSF12):c.35G>C (p.Arg12Pro)

Genes: TNFSF12 (TNF superfamily member 12; plus strand), TNFSF12-TNFSF13 (TNFSF12-TNFSF13 readthrough; plus strand), LOC130060153 (ATAC-STARR-seq lymphoblastoid silent region 8127; plus strand). Cytogenetic location: 17p13.1.
Variant type: single nucleotide variant.
Coding change: c.35G>C on transcript NM_003809.3 (MANE Select); coding-DNA position 35, G replaced by C.
Protein change: p.Arg12Pro; replaces arginine 12 with proline.
Molecular consequence: missense variant. On other transcripts: non-coding transcript variant (1).
Genome position (GRCh38, 1-based): chr17:7,549,188, G>C. VCF-style: chr17-7549188-G-C. GRCh37 (hg19) VCF-style: chr17-7452505-G-C.
Other names: c.35G>C, p.Arg12Pro (NM_172089.4); short protein forms R12P.
Identifiers: ClinVar variation 1495617 (VCV001495617.8), dbSNP rs2070968615, ClinGen allele CA397853208.
Genomic context (GRCh38, chr17:7,549,188, plus strand): 5'-TGAGGCAGGCACAGCCCCCCGCCCCCATGGCCGCCCGTCGGAGCCAGAGGCGGAGGGGGC[G>C]CCGGGGGGAGCCGGGCACCGCCCTGCTGGTCCCGCTCGCGCTGGGCCTGGGCCTGGCGCT-3'
Protein context (NP_003800.1, residues 2-22): AARRSQRRRG[Arg12Pro]RGEPGTALLV